The following is an entry in ClinVar:

ClinVar aggregate classification (germline): not provided (0 of 4 stars; one submission).

Submission:

Human Evolutionary Genetics, Institut Pasteur
No classification provided. Review status: no classification provided. Collection method: not provided. Allele origin: germline.
ClinVar note: Converted during submission from untested to not provided.

NM_001433706.1(NLRP8):c.2534+4A>T

Gene: NLRP8 (NLR family pyrin domain containing 8; plus strand). Cytogenetic location: 19q13.43.
Variant type: single nucleotide variant.
Coding change: c.2534+4A>T on transcript NM_001433706.1 (MANE Select); 4 bases into the intron after coding-DNA position 2534, A replaced by T.
Molecular consequence: intron variant.
Genome position (GRCh38, 1-based): chr19:55,970,700, A>T. VCF-style: chr19-55970700-A-T. GRCh37 (hg19) VCF-style: chr19-56482066-A-T.
Other names: NM_176811.2:c.2534+4A>T; c.2534+4A>T (NM_001317000.1).
Identifiers: ClinVar variation 103327 (VCV000103327.2), dbSNP rs199475843, ClinGen allele CA230422.